The following is an entry in ClinVar:

ClinVar aggregate classification (germline): Likely pathogenic (1 of 4 stars; one submission).

Submission:

Labcorp Genetics (formerly Invitae), Labcorp
Classification: Likely pathogenic. Last evaluated: 2022-10-13. Review status: criteria provided, single submitter. Criteria: Invitae Variant Classification Sherloc (09022015). Collection method: clinical testing. Allele origin: germline.
Comment: This sequence change affects an acceptor splice site in intron 8 of the IMPG2 gene. It is expected to disrupt RNA splicing. Variants that disrupt the donor or acceptor splice site typically lead to a loss of protein function (PMID: 16199547), and loss-of-function variants in IMPG2 are known to be pathogenic (PMID: 20673862). This variant is not present in population databases (gnomAD no frequency). This variant has not been reported in the literature in individuals affected with IMPG2-related conditions. ClinVar contains an entry for this variant (Variation ID: 955523). Algorithms developed to predict the effect of sequence changes on RNA splicing suggest that this variant may disrupt the consensus splice site. In summary, the currently available evidence indicates that the variant is pathogenic, but additional data are needed to prove that conclusively. Therefore, this variant has been classified as Likely Pathogenic.

Literature cited by the submitters: PubMed 16199547; PubMed 20673862.

NM_016247.4(IMPG2):c.888-1G>T

Gene: IMPG2 (interphotoreceptor matrix proteoglycan 2; minus strand). Cytogenetic location: 3q12.3.
Variant type: single nucleotide variant.
Coding change: c.888-1G>T on transcript NM_016247.4 (MANE Select); the canonical splice acceptor site of the intron before coding-DNA position 888, G replaced by T.
Molecular consequence: splice acceptor variant.
Genome position (GRCh38, 1-based): chr3:101,267,532, C>A on the plus strand (G>T on the coding strand, the complement: IMPG2 is on the minus strand). VCF-style: chr3-101267532-C-A. GRCh37 (hg19) VCF-style: chr3-100986376-C-A.
Identifiers: ClinVar variation 955523 (VCV000955523.8), dbSNP rs1706733354, ClinGen allele CA353867356.
Genomic context (GRCh38, chr3:101,267,532, plus strand): 5'-CCCAATTCAATGGACATTAGAGAAAGTGCCAAAAAGTACCTGTCATTTTCCTTGGGGGAC[C>A]TGAAAACAAAAATTAAAAATATTAAACAGAGTTTGAGACAGTTATTATTGTCACATCATT-3'